The following is an entry in ClinVar:

NM_015192.4(PLCB1):c.175A>G (p.Lys59Glu)

Gene: PLCB1 (phospholipase C beta 1; plus strand). Cytogenetic location: 20p12.3.
Variant type: single nucleotide variant.
Coding change: c.175A>G on transcript NM_015192.4 (MANE Select); coding-DNA position 175, A replaced by G.
Protein change: p.Lys59Glu; replaces lysine 59 with glutamic acid.
Molecular consequence: missense variant.
Genome position (GRCh38, 1-based): chr20:8,150,369, A>G. VCF-style: chr20-8150369-A-G. GRCh37 (hg19) VCF-style: chr20-8131016-A-G.
Other names: c.175A>G, p.Lys59Glu (NM_182734.3); short protein forms K59E.
Identifiers: ClinVar variation 1314416 (VCV001314416.2), dbSNP rs2123032627, ClinGen allele CA408261862.

ClinVar aggregate classification (germline): Uncertain significance (1 of 4 stars; one submission).

Submission:

GeneDx
Classification: Uncertain significance. Last evaluated: 2021-04-09. Review status: criteria provided, single submitter. Criteria: GeneDx Variant Classification Process June 2021. Collection method: clinical testing. Allele origin: germline. Affected: yes.
Comment: Not observed in large population cohorts (Lek et al., 2016); In silico analysis supports that this missense variant does not alter protein structure/function; Has not been previously published as pathogenic or benign to our knowledge